The following is an entry in ClinVar:

ClinVar aggregate classification (germline): Benign/Likely benign. Review status: criteria provided, multiple submitters, no conflicts (2 of 4 stars). 5 submissions from 5 submitters: Benign (1); Likely benign (3). 1 of the submissions does not count toward it. Last evaluated 2025-12-06.

Conditions:
EXT2-related disorder. Also called: EXT2-related condition.
Exostoses, multiple, type 2 (EXT2). Also called: Hereditary Multiple Osteochondromatosis, Type II; EXOSTOSES, MULTIPLE, TYPE II. Identifiers: Orphanet 321, MedGen C1851413, MONDO:0007586, OMIM 133701.

Allele frequency attached by ClinVar (database versions not stated): gnomAD 0.00003; TOPMed 0.00003; gnomAD exomes 0.00004 and 0.00009; ExAC 0.00012.
gnomAD v4.1: 66 of 1,614,022 alleles (0.0041%); highest among the groups gnomAD compares: Non-Finnish European, 0.0024%; no homozygotes.

Submissions (5):

Labcorp Genetics (formerly Invitae), Labcorp
Classification: Benign for Exostoses, multiple, type 2. Last evaluated: 2025-12-06. Review status: criteria provided, single submitter. Criteria: Invitae Variant Classification Sherloc (09022015). Collection method: clinical testing. Allele origin: germline.

Blueprint Genetics
Classification: Likely benign. Last evaluated: 2023-09-15. Review status: criteria provided, single submitter. Criteria: ACMG Guidelines, 2015. Collection method: clinical testing. Allele origin: germline.

Illumina Laboratory Services, Illumina
Classification: Likely benign for Exostoses, multiple, type 2. Last evaluated: 2018-01-12. Review status: criteria provided, single submitter. Criteria: ICSL Variant Classification Criteria 13 December 2019. Collection method: clinical testing. Allele origin: germline.
Comment: This variant was observed in the ICSL laboratory as part of a predisposition screen in an ostensibly healthy population. It had not been previously curated by ICSL or reported in the Human Gene Mutation Database (HGMD: prior to June 1st, 2018), and was therefore a candidate for classification through an automated scoring system. Utilizing variant allele frequency, disease prevalence and penetrance estimates, and inheritance mode, an automated score was calculated to assess if this variant is too frequent to cause the disease. Based on the score and internal cut-off values, a variant classified as likely benign is not then subjected to further curation. The score for this variant resulted in a classification of likely benign for this disease.

GeneDx
Classification: Likely benign. Last evaluated: 2017-01-05. Review status: criteria provided, single submitter. Criteria: GeneDx Variant Classification (06012015). Collection method: clinical testing. Allele origin: germline. Affected: yes.
Comment: This variant is considered likely benign or benign based on one or more of the following criteria: it is a conservative change, it occurs at a poorly conserved position in the protein, it is predicted to be benign by multiple in silico algorithms, and/or has population frequency not consistent with disease.

PreventionGenetics, part of Exact Sciences
Classification: Likely benign for EXT2-related condition. Last evaluated: 2021-12-30. Review status: no assertion criteria provided. Collection method: clinical testing. Allele origin: germline. Not counted in ClinVar's aggregate classification.
Comment: This variant is classified as likely benign based on ACMG/AMP sequence variant interpretation guidelines (Richards et al. 2015 PMID: 25741868, with internal and published modifications).

NM_207122.2(EXT2):c.1023G>A (p.Pro341=)

Gene: EXT2 (exostosin glycosyltransferase 2; plus strand). Cytogenetic location: 11p11.2.
Variant type: single nucleotide variant.
Coding change: c.1023G>A on transcript NM_207122.2 (MANE Select); coding-DNA position 1023, G replaced by A.
Protein change: p.Pro341=; no amino-acid change (proline 341 retained).
Molecular consequence: synonymous variant.
Genome position (GRCh38, 1-based): chr11:44,126,899, G>A. VCF-style: chr11-44126899-G-A. GRCh37 (hg19) VCF-style: chr11-44148449-G-A.
Other names: c.1122G>A, p.Pro374= (NM_000401.3); c.1023G>A, p.Pro341= (NM_001178083.3, NM_001389628.1, NM_001389630.1).
Identifiers: ClinVar variation 392879 (VCV000392879.16), dbSNP rs757323768, ClinGen allele CA5955079.